The following is an entry in ClinVar:

ClinVar aggregate classification (germline): Uncertain significance (1 of 4 stars; one submission).

Submission:

GeneDx
Classification: Uncertain significance. Last evaluated: 2024-01-25. Review status: criteria provided, single submitter. Criteria: GeneDx Variant Classification Process June 2021. Collection method: clinical testing. Allele origin: germline. Affected: yes.
Comment: In silico analysis supports that this missense variant has a deleterious effect on protein structure/function; Not observed at significant frequency in large population cohorts (gnomAD); Has not been previously published as pathogenic or benign to our knowledge

NM_002470.4(MYH3):c.1836G>T (p.Lys612Asn)

Gene: MYH3 (myosin heavy chain 3; minus strand). Cytogenetic location: 17p13.1.
Variant type: single nucleotide variant.
Coding change: c.1836G>T on transcript NM_002470.4 (MANE Select); coding-DNA position 1836, G replaced by T.
Protein change: p.Lys612Asn; replaces lysine 612 with asparagine.
Molecular consequence: missense variant.
Genome position (GRCh38, 1-based): chr17:10,642,469, C>A on the plus strand (G>T on the coding strand, the complement: MYH3 is on the minus strand). VCF-style: chr17-10642469-C-A. GRCh37 (hg19) VCF-style: chr17-10545786-C-A.
Other names: short protein forms K612N.
Identifiers: ClinVar variation 3368109 (VCV003368109.1).
Genomic context (GRCh38, chr17:10,642,469, plus strand): 5'-CCTCTTACCATCCGCCGTGGCAAACGTGGCATAGAGGTGTGCCAGGAGCCTGTTGGAAGA[C>A]TTCTGGTACAGCCCAACCACAGTCTCGTTCAGAGGGTCCTTGTTCTTCTCCAGCCAACCT-3'
Protein context (NP_002461.2, residues 602-622): LNETVVGLYQ[Lys612Asn]SSNRLLAHLY